The following is an entry in ClinVar:

ClinVar aggregate classification (germline): Uncertain significance (1 of 4 stars; one submission).

gnomAD v4.1: 5 of 1,613,500 alleles (0.00031%); highest among the groups gnomAD compares: Non-Finnish European, 0.00042%; no homozygotes.

Submission:

Labcorp Genetics (formerly Invitae), Labcorp
Classification: Uncertain significance. Last evaluated: 2021-12-27. Review status: criteria provided, single submitter. Criteria: Invitae Variant Classification Sherloc (09022015). Collection method: clinical testing. Allele origin: germline.
Comment: This sequence change falls in intron 6 of the WDR73 gene. It does not directly change the encoded amino acid sequence of the WDR73 protein. It affects a nucleotide within the consensus splice site. In summary, the available evidence is currently insufficient to determine the role of this variant in disease. Therefore, it has been classified as a Variant of Uncertain Significance. Variants that disrupt the consensus splice site are a relatively common cause of aberrant splicing (PMID: 17576681, 9536098). Algorithms developed to predict the effect of sequence changes on RNA splicing suggest that this variant may disrupt the consensus splice site. This variant has not been reported in the literature in individuals affected with WDR73-related conditions. This variant is present in population databases (rs201658963, gnomAD 0.002%).

Literature cited by the submitters: PubMed 17576681; PubMed 9536098.

NM_032856.5(WDR73):c.517+6G>T

Gene: WDR73 (WD repeat domain 73; minus strand). Cytogenetic location: 15q25.2.
Variant type: single nucleotide variant.
Coding change: c.517+6G>T on transcript NM_032856.5 (MANE Select); 6 bases into the intron after coding-DNA position 517, G replaced by T.
Molecular consequence: intron variant.
Genome position (GRCh38, 1-based): chr15:84,646,178, C>A on the plus strand (G>T on the coding strand, the complement: WDR73 is on the minus strand). VCF-style: chr15-84646178-C-A. GRCh37 (hg19) VCF-style: chr15-85189409-C-A.
Identifiers: ClinVar variation 1952723 (VCV001952723.5), dbSNP rs201658963, ClinGen allele CA7707368.